The following is an entry in ClinVar:

NM_006915.3(RP2):c.74A>C (p.Lys25Thr)

Genes: RP2 (RP2 activator of ARL3 GTPase; plus strand), LOC130068202 (ATAC-STARR-seq lymphoblastoid active region 29577; plus strand). Cytogenetic location: Xp11.3.
Variant type: single nucleotide variant.
Coding change: c.74A>C on transcript NM_006915.3 (MANE Select); coding-DNA position 74, A replaced by C.
Protein change: p.Lys25Thr; replaces lysine 25 with threonine.
Molecular consequence: missense variant.
Genome position (GRCh38, 1-based): chrX:46,837,174, A>C. VCF-style: chrX-46837174-A-C. GRCh37 (hg19) VCF-style: chrX-46696609-A-C.
Other names: short protein forms K25T.
Identifiers: ClinVar variation 2806343 (VCV002806343.3), dbSNP rs1556313523, ClinGen allele CA413038299.

ClinVar aggregate classification (germline): Uncertain significance (1 of 4 stars; one submission).

Allele frequency attached by ClinVar (database versions not stated): gnomAD 0.00002.

Submission:

Labcorp Genetics (formerly Invitae), Labcorp
Classification: Uncertain significance. Last evaluated: 2023-08-31. Review status: criteria provided, single submitter. Criteria: Invitae Variant Classification Sherloc (09022015). Collection method: clinical testing. Allele origin: germline.
Comment: In summary, the available evidence is currently insufficient to determine the role of this variant in disease. Therefore, it has been classified as a Variant of Uncertain Significance. Advanced modeling of protein sequence and biophysical properties (such as structural, functional, and spatial information, amino acid conservation, physicochemical variation, residue mobility, and thermodynamic stability) has been performed at Invitae for this missense variant, however the output from this modeling did not meet the statistical confidence thresholds required to predict the impact of this variant on RP2 protein function. This variant has not been reported in the literature in individuals affected with RP2-related conditions. This variant is present in population databases (no rsID available, gnomAD 0.01%). This sequence change replaces lysine, which is basic and polar, with threonine, which is neutral and polar, at codon 25 of the RP2 protein (p.Lys25Thr).